The following is an entry in ClinVar:

NM_177972.3(TUB):c.545G>A (p.Arg182His)

Genes: RIC3 (RIC3 acetylcholine receptor chaperone; minus strand), TUB (TUB bipartite transcription factor; plus strand). Cytogenetic location: 11p15.4.
Variant type: single nucleotide variant.
Coding change: c.545G>A on transcript NM_177972.3 (MANE Select); coding-DNA position 545, G replaced by A.
Protein change: p.Arg182His; replaces arginine 182 with histidine.
Molecular consequence: missense variant.
Genome position (GRCh38, 1-based): chr11:8,095,645, G>A. VCF-style: chr11-8095645-G-A. GRCh37 (hg19) VCF-style: chr11-8117192-G-A.
Other names: c.710G>A, p.Arg237His (NM_003320.5); c.710G>A (NM_003320.4); short protein forms R182H, R237H.
Identifiers: ClinVar variation 1431336 (VCV001431336.9), dbSNP rs747522121, ClinGen allele CA5871129.

ClinVar aggregate classification (germline): Uncertain significance. Review status: criteria provided, multiple submitters, no conflicts (2 of 4 stars). 4 submissions from 4 submitters: Uncertain significance (4). Last evaluated 2026-07-14.

Conditions:
TUB-related disorder. Also called: TUB-related condition.

Allele frequency attached by ClinVar (database versions not stated): ExAC 0.00003; gnomAD 0.00004; gnomAD exomes 0.00004 and 0.00005; TOPMed 0.00005.
gnomAD v4.1: 74 of 1,604,360 alleles (0.0046%); highest among the groups gnomAD compares: Admixed American, 0.017%; no homozygotes.

Submissions (4):

PreventionGenetics, part of Exact Sciences
Classification: Uncertain significance for TUB-related condition. Last evaluated: 2026-07-14. Review status: criteria provided, single submitter. Criteria: ACMG Guidelines, 2015. Collection method: clinical testing. Allele origin: germline.
Comment: The TUB c.710G>A variant is predicted to result in the amino acid substitution p.Arg237His. To our knowledge, this variant has not been reported in the literature. This variant is reported in 0.0090% of alleles in individuals of Latino descent in gnomAD. At this time, the clinical significance of this variant is uncertain due to the absence of conclusive functional and genetic evidence.

Labcorp Genetics (formerly Invitae), Labcorp
Classification: Uncertain significance. Last evaluated: 2025-01-06. Review status: criteria provided, single submitter. Criteria: Invitae Variant Classification Sherloc (09022015). Collection method: clinical testing. Allele origin: germline.
Comment: This sequence change replaces arginine, which is basic and polar, with histidine, which is basic and polar, at codon 237 of the TUB protein (p.Arg237His). This variant is present in population databases (rs747522121, gnomAD 0.02%). This variant has not been reported in the literature in individuals affected with TUB-related conditions. ClinVar contains an entry for this variant (Variation ID: 1431336). An algorithm developed to predict the effect of missense changes on protein structure and function outputs the following: PolyPhen-2: "Benign". The histidine amino acid residue is found in multiple mammalian species, which suggests that this missense change does not adversely affect protein function. In summary, the available evidence is currently insufficient to determine the role of this variant in disease. Therefore, it has been classified as a Variant of Uncertain Significance.

Blueprint Genetics
Classification: Uncertain significance. Last evaluated: 2024-05-17. Review status: criteria provided, single submitter. Criteria: ACMG Guidelines, 2015. Collection method: clinical testing. Allele origin: germline.

Ambry Genetics
Classification: Uncertain significance. Last evaluated: 2023-05-23. Review status: criteria provided, single submitter. Criteria: Ambry Variant Classification Scheme 2023. Collection method: clinical testing. Allele origin: germline.